The following is an entry in ClinVar:

NM_181523.3(PIK3R1):c.348G>C (p.Pro116=)

Gene: PIK3R1 (phosphoinositide-3-kinase regulatory subunit 1; plus strand). Cytogenetic location: 5q13.1.
Variant type: single nucleotide variant.
Coding change: c.348G>C on transcript NM_181523.3 (MANE Select); coding-DNA position 348, G replaced by C.
Protein change: p.Pro116=; no amino-acid change (proline 116 retained).
Molecular consequence: synonymous variant.
Genome position (GRCh38, 1-based): chr5:68,273,403, G>C. VCF-style: chr5-68273403-G-C. GRCh37 (hg19) VCF-style: chr5-67569231-G-C.
Identifiers: ClinVar variation 3750618 (VCV003750618.2).
Genomic context (GRCh38, chr5:68,273,403, plus strand): 5'-TTCAACTATCCAAATTAAATACAATGGTGGGATTTTGTTGTTTGCAGCTTTGACTCTCCC[G>C]GATCTTGCAGAGCAGTTTGCCCCTCCTGACATTGCCCCGCCTCTTCTTATCAAGCTCGTG-3'
Protein context (NP_852664.1, residues 106-126): ADVEQQALTL[Pro116=]DLAEQFAPPD

ClinVar aggregate classification (germline): Uncertain significance (1 of 4 stars; one submission).

Conditions:
Agammaglobulinemia 7, autosomal recessive (AGM7). Also called: AGAMMAGLOBULINEMIA, AUTOSOMAL RECESSIVE, DUE TO PIK3R1 DEFECT. Identifiers: MedGen C3554689, MONDO:0014083, OMIM 615214.
Immunodeficiency 36 with lymphoproliferation. Also called: Immunodeficiency 36; ACTIVATED PI3K-DELTA SYNDROME 2; Activated PI3K Delta Syndrome Type 2 (APDS2). Identifiers: Orphanet 397596, Orphanet 693681, MedGen C4014934, MONDO:0014453, OMIM 616005.
SHORT syndrome. Also called: SHORT STATURE, HYPEREXTENSIBILITY, HERNIA, OCULAR DEPRESSION, RIEGER ANOMALY, AND TEETHING DELAY; LIPODYSTROPHY, PARTIAL, WITH RIEGER ANOMALY AND SHORT STATURE; PIK3R1-Related SHORT Syndrome. Identifiers: Orphanet 3163, MedGen C0878684, MONDO:0010026, OMIM 269880.

gnomAD v4.1: 1 of 1,613,960 alleles (0.000062%); highest among the groups gnomAD compares: Non-Finnish European, 0.000085%; no homozygotes.

Submission:

Labcorp Genetics (formerly Invitae), Labcorp
Classification: Uncertain significance for SHORT syndrome; Immunodeficiency 36 with lymphoproliferation; Agammaglobulinemia 7, autosomal recessive. Last evaluated: 2024-08-19. Review status: criteria provided, single submitter. Criteria: Invitae Variant Classification Sherloc (09022015). Collection method: clinical testing. Allele origin: germline.
Comment: This sequence change affects codon 116 of the PIK3R1 mRNA. It is a 'silent' change, meaning that it does not change the encoded amino acid sequence of the PIK3R1 protein. This variant is not present in population databases (gnomAD no frequency). This variant has not been reported in the literature in individuals affected with PIK3R1-related conditions. Algorithms developed to predict the effect of sequence changes on RNA splicing suggest that this variant may create or strengthen a splice site. In summary, the available evidence is currently insufficient to determine the role of this variant in disease. Therefore, it has been classified as a Variant of Uncertain Significance.